The following is an entry in ClinVar:

NM_002397.5(MEF2C):c.15G>T (p.Lys5Asn)

Gene: MEF2C (myocyte enhancer factor 2C; minus strand). Cytogenetic location: 5q14.3.
Variant type: single nucleotide variant.
Coding change: c.15G>T on transcript NM_002397.5 (MANE Select); coding-DNA position 15, G replaced by T.
Protein change: p.Lys5Asn; replaces lysine 5 with asparagine.
Molecular consequence: missense variant.
Genome position (GRCh38, 1-based): chr5:88,823,774, C>A on the plus strand (G>T on the coding strand, the complement: MEF2C is on the minus strand). VCF-style: chr5-88823774-C-A. GRCh37 (hg19) VCF-style: chr5-88119591-C-A.
Other names: c.15G>T, p.Lys5Asn (NM_001131005.2, NM_001193347.1, NM_001193348.1 and 29 more transcripts); short protein forms K5N.
Identifiers: ClinVar variation 1776156 (VCV001776156.3), dbSNP rs2532815114, ClinGen allele CA360425337.

ClinVar aggregate classification (germline): Uncertain significance. Review status: criteria provided, multiple submitters, no conflicts (2 of 4 stars). 2 submissions from 2 submitters: Uncertain significance (2). Last evaluated 2019-09-26.

Conditions:
Neurodevelopmental disorder with hypotonia, stereotypic hand movements, and impaired language. Also called: Intellectual disability, autosomal dominant 20. Identifiers: Orphanet 228384, Orphanet 664410, MedGen C3150700, MONDO:0013266, OMIM 613443.
Inborn genetic diseases. Identifiers: MedGen C0950123, MeSH D030342.

Submissions (2):

Ambry Genetics
Classification: Uncertain significance for Inborn genetic diseases. Last evaluated: 2019-09-26. Review status: criteria provided, single submitter. Criteria: Ambry Variant Classification Scheme 2023. Collection method: clinical testing. Allele origin: germline.
Comment: The p.K5N variant (also known as c.15G>T), located in coding exon 1 of the MEF2C gene, results from a G to T substitution at nucleotide position 15. The lysine at codon 5 is replaced by asparagine, an amino acid with similar properties. This variant has been determined to be the result of a de novo mutation or germline mosaicism in one family with an isolated case of epilepsy. This amino acid position is highly conserved in available vertebrate species. In addition, the in silico prediction for this alteration is inconclusive. Since supporting evidence is limited at this time, the clinical significance of this alteration remains unclear.

Juno Genomics, Hangzhou Juno Genomics, Inc
Classification: Uncertain significance for Neurodevelopmental disorder with hypotonia, stereotypic hand movements, and impaired language. Review status: criteria provided, single submitter. Criteria: ACMG Guidelines, 2015. Collection method: clinical testing. Allele origin: germline. Affected: yes.
Comment: Absent from controls (or at extremely low frequency if recessive) in Genome Aggregation Database, Exome Sequencing Project, 1000 Genomes Project, or Exome Aggregation Consortium.;De novo (both maternity and paternity confirmed) in a patient with the disease and no family history.;Multiple lines of computational evidence support a deleterious effect on the gene or gene product (conservation, evolutionary, splicing impact, etc).;Missense variant in a gene that has a low rate of benign missense variation and where missense variants are a common mechanism of disease.